The following is an entry in ClinVar:

ClinVar aggregate classification (germline): Benign (0 of 4 stars; one submission).

Conditions:
DNMBP-related disorder. Also called: DNMBP-related condition.

Allele frequency attached by ClinVar (database versions not stated): gnomAD exomes 0.00116; ExAC 0.00393; 1000 Genomes Project 0.01078; 1000 Genomes Project 30x 0.01171; gnomAD 0.01189; TOPMed 0.01315; ESP Exome Variant Server 0.01422.
gnomAD v4.1: 3,568 of 1,613,442 alleles (0.22%); highest among the groups gnomAD compares: African/African-American, 4.1%; 64 homozygotes.

Submission:

PreventionGenetics, part of Exact Sciences
Classification: Benign for DNMBP-related condition. Last evaluated: 2019-03-06. Review status: no assertion criteria provided. Collection method: clinical testing. Allele origin: germline.
Comment: This variant is classified as benign based on ACMG/AMP sequence variant interpretation guidelines (Richards et al. 2015 PMID: 25741868, with internal and published modifications).

NM_015221.4(DNMBP):c.3302G>A (p.Arg1101Gln)

Gene: DNMBP (dynamin binding protein; minus strand). Cytogenetic location: 10q24.2.
Variant type: single nucleotide variant.
Coding change: c.3302G>A on transcript NM_015221.4 (MANE Select); coding-DNA position 3302, G replaced by A.
Protein change: p.Arg1101Gln; replaces arginine 1101 with glutamine.
Molecular consequence: missense variant.
Genome position (GRCh38, 1-based): chr10:99,886,616, C>T on the plus strand (G>A on the coding strand, the complement: DNMBP is on the minus strand). VCF-style: chr10-99886616-C-T. GRCh37 (hg19) VCF-style: chr10-101646373-C-T.
Other names: c.2198G>A, p.Arg733Gln (NM_001318326.2); c.1040G>A, p.Arg347Gln (NM_001318327.2); short protein forms R1101Q, R389Q, R733Q, R347Q.
Identifiers: ClinVar variation 3041328 (VCV003041328.2), dbSNP rs35881299, ClinGen allele CA5644578.